The following is an entry in ClinVar:

ClinVar aggregate classification (germline): Uncertain significance (1 of 4 stars; one submission).

Conditions:
Autosomal dominant nocturnal frontal lobe epilepsy 5. Also called: KCNT1-Related Epilepsy; CILIARY DYSKINESIA, PRIMARY, 28, WITHOUT SITUS INVERSUS; CILIARY DYSKINESIA, PRIMARY, 28, WITH SITUS INVERSUS; Epilepsy, nocturnal frontal lobe, 5. Identifiers: Orphanet 98784, MedGen C3554306, MONDO:0014002, OMIM 615005.
Developmental and epileptic encephalopathy, 14 (DEE14). Also called: Early infantile epileptic encephalopathy 14. Identifiers: Orphanet 293181, MedGen C3554195, MONDO:0013989, OMIM 614959.

gnomAD v4.1: 1 of 1,610,920 alleles (0.000062%); highest among the groups gnomAD compares: Non-Finnish European, 0.000085%; no homozygotes.

Submission:

Labcorp Genetics (formerly Invitae), Labcorp
Classification: Uncertain significance for Autosomal dominant nocturnal frontal lobe epilepsy 5; Developmental and epileptic encephalopathy, 14. Last evaluated: 2024-10-24. Review status: criteria provided, single submitter. Criteria: Invitae Variant Classification Sherloc (09022015). Collection method: clinical testing. Allele origin: germline.
Comment: This sequence change affects a donor splice site in intron 6 of the KCNT1 gene. It is expected to disrupt RNA splicing. Variants that disrupt the donor or acceptor splice site typically lead to a loss of protein function (PMID: 16199547), however the current clinical and genetic evidence is not sufficient to establish whether loss-of-function variants in KCNT1 cause disease. This variant is not present in population databases (gnomAD no frequency). This variant has not been reported in the literature in individuals affected with KCNT1-related conditions. Algorithms developed to predict the effect of sequence changes on RNA splicing suggest that this variant may disrupt the consensus splice site. In summary, the available evidence is currently insufficient to determine the role of this variant in disease. Therefore, it has been classified as a Variant of Uncertain Significance.

Literature cited by the submitters: PubMed 16199547.

NM_020822.3(KCNT1):c.540+1G>C

Gene: KCNT1 (potassium sodium-activated channel subfamily T member 1; plus strand). Cytogenetic location: 9q34.3.
Variant type: single nucleotide variant.
Coding change: c.540+1G>C on transcript NM_020822.3 (MANE Select); the canonical splice donor site of the intron after coding-DNA position 540, G replaced by C.
Molecular consequence: splice donor variant.
Genome position (GRCh38, 1-based): chr9:135,755,170, G>C. VCF-style: chr9-135755170-G-C. GRCh37 (hg19) VCF-style: chr9-138647016-G-C.
Other names: c.396+1G>C (NM_001272003.2).
Identifiers: ClinVar variation 3759567 (VCV003759567.2).